The following is an entry in ClinVar:

ClinVar aggregate classification (germline): Uncertain significance (1 of 4 stars; one submission).

Conditions:
Medulloblastoma (MDB). Also called: MEDULLOBLASTOMA PREDISPOSITION SYNDROME; Medulloblastoma, somatic. Identifiers: Orphanet 616, MedGen C0025149, MeSH D008527, MONDO:0007959, OMIM 155255, HP:0002885.
Gorlin syndrome. Also called: Nevoid Basal Cell Carcinoma Syndrome; Basal cell nevus syndrome. Identifiers: Orphanet 377, MedGen C0004779, MONDO:0007187.

Submission:

Labcorp Genetics (formerly Invitae), Labcorp
Classification: Uncertain significance for Gorlin syndrome; Medulloblastoma. Last evaluated: 2023-10-14. Review status: criteria provided, single submitter. Criteria: Invitae Variant Classification Sherloc (09022015). Collection method: clinical testing. Allele origin: germline.
Comment: This sequence change replaces glutamine, which is neutral and polar, with lysine, which is basic and polar, at codon 217 of the SUFU protein (p.Gln217Lys). This variant is not present in population databases (gnomAD no frequency). This variant has not been reported in the literature in individuals affected with SUFU-related conditions. Advanced modeling of protein sequence and biophysical properties (such as structural, functional, and spatial information, amino acid conservation, physicochemical variation, residue mobility, and thermodynamic stability) performed at Invitae indicates that this missense variant is not expected to disrupt SUFU protein function. In summary, the available evidence is currently insufficient to determine the role of this variant in disease. Therefore, it has been classified as a Variant of Uncertain Significance.

NM_016169.4(SUFU):c.649C>A (p.Gln217Lys)

Gene: SUFU (SUFU negative regulator of hedgehog signaling; plus strand). Cytogenetic location: 10q24.32.
Variant type: single nucleotide variant.
Coding change: c.649C>A on transcript NM_016169.4 (MANE Select); coding-DNA position 649, C replaced by A.
Protein change: p.Gln217Lys; replaces glutamine 217 with lysine.
Molecular consequence: missense variant.
Genome position (GRCh38, 1-based): chr10:102,593,687, C>A. VCF-style: chr10-102593687-C-A. GRCh37 (hg19) VCF-style: chr10-104353444-C-A.
Other names: c.649C>A, p.Gln217Lys (NM_001178133.2); short protein forms Q217K.
Identifiers: ClinVar variation 2952844 (VCV002952844.3), dbSNP rs2135870694, ClinGen allele CA377909548.